The following is an entry in ClinVar:

ClinVar aggregate classification (germline): Uncertain significance (1 of 4 stars; one submission).

Conditions:
Nephronophthisis 4 (NPHP4). Also called: NEPHRONOPHTHISIS 4, JUVENILE. Identifiers: Orphanet 655, MedGen C1847013, MONDO:0011752, OMIM 606966.

Submission:

Victorian Clinical Genetics Services, Murdoch Childrens Research Institute
Classification: Uncertain significance for Nephronophthisis 4. Last evaluated: 2025-06-20. Review status: criteria provided, single submitter. Criteria: ACMG Guidelines, 2015. Collection method: clinical testing. Allele origin: germline. Affected: yes.
Comment: This variant is classified as VUS-3A. Evidence in support of pathogenic classification: Variant is absent from gnomAD (v2, v3 and v4); Missense variant predicted to be damaging by in silico tool(s) or highly conserved with a major amino acid change. Additional information: Variant is predicted to result in a missense amino acid change from leucine to arginine; This variant is homozygous; This gene is associated with autosomal recessive disease; This variant has no previous evidence of pathogenicity; No published segregation evidence has been identified for this variant; No published functional evidence has been identified for this variant; No comparable missense variants have previous evidence for pathogenicity; Variant is not located in an established domain, motif, hotspot or informative constraint region; Loss of function is a known mechanism of disease in this gene and is associated with nephronophthisis 4 (MIM#606966) and Senior-Loken syndrome 4 (MIM#606996); Inheritance information for this variant is not currently available in this individual.

NM_015102.5(NPHP4):c.1934T>G (p.Leu645Arg)

Gene: NPHP4 (nephrocystin 4; minus strand). Cytogenetic location: 1p36.31.
Variant type: single nucleotide variant.
Coding change: c.1934T>G on transcript NM_015102.5 (MANE Select); coding-DNA position 1934, T replaced by G.
Protein change: p.Leu645Arg; replaces leucine 645 with arginine.
Molecular consequence: missense variant. On other transcripts: non-coding transcript variant (1).
Genome position (GRCh38, 1-based): chr1:5,905,313, A>C on the plus strand (T>G on the coding strand, the complement: NPHP4 is on the minus strand). VCF-style: chr1-5905313-A-C. GRCh37 (hg19) VCF-style: chr1-5965373-A-C.
Other names: c.395T>G, p.Leu132Arg (NM_001291593.2); c.398T>G, p.Leu133Arg (NM_001291594.2); short protein forms L132R, L133R, L645R.
Identifiers: ClinVar variation 4531515 (VCV004531515.1).